The following is an entry in ClinVar:

ClinVar aggregate classification (germline): Likely benign. Review status: criteria provided, multiple submitters, no conflicts (2 of 4 stars). 3 submissions from 3 submitters: Likely benign (3). Last evaluated 2025-09-01.

gnomAD v4.1: 151 of 1,612,898 alleles (0.0094%); highest among the groups gnomAD compares: East Asian, 0.11%; no homozygotes.

Submissions (3):

CeGaT Center for Human Genetics Tuebingen
Classification: Likely benign. Last evaluated: 2025-09-01. Review status: criteria provided, single submitter. Criteria: CeGaT Center For Human Genetics Tuebingen Variant Classification Criteria Version 2. Collection method: clinical testing. Allele origin: germline. Affected: yes. Observed: 1 variant allele.
Comment: CAMTA1: BP4, BP7

Women's Health and Genetics/Laboratory Corporation of America, LabCorp
Classification: Likely benign. Last evaluated: 2024-09-20. Review status: criteria provided, single submitter. Criteria: LabCorp Variant Classification Summary - May 2015. Collection method: clinical testing. Allele origin: germline.

Labcorp Genetics (formerly Invitae), Labcorp
Classification: Likely benign. Last evaluated: 2024-07-19. Review status: criteria provided, single submitter. Criteria: Invitae Variant Classification Sherloc (09022015). Collection method: clinical testing. Allele origin: germline.

NM_015215.4(CAMTA1):c.3276G>A (p.Ala1092=)

Gene: CAMTA1 (calmodulin binding transcription activator 1; plus strand). Cytogenetic location: 1p36.23.
Variant type: single nucleotide variant.
Coding change: c.3276G>A on transcript NM_015215.4 (MANE Select); coding-DNA position 3276, G replaced by A.
Protein change: p.Ala1092=; no amino-acid change (alanine 1092 retained).
Molecular consequence: synonymous variant.
Genome position (GRCh38, 1-based): chr1:7,736,943, G>A. VCF-style: chr1-7736943-G-A. GRCh37 (hg19) VCF-style: chr1-7797003-G-A.
Other names: c.3204G>A, p.Ala1068= (NM_001410738.1); c.3186G>A, p.Ala1062= (NM_001349608.2, NM_001349612.2); c.3276G>A, p.Ala1092= (NM_001349609.2, NM_001349610.2, NM_001410737.1); c.405G>A, p.Ala135= (NM_001349613.1); c.348G>A, p.Ala116= (NM_001349614.1, NM_001349615.2, NM_001349616.2 and 10 more transcripts).
Identifiers: ClinVar variation 3375355 (VCV003375355.10).
Genomic context (GRCh38, chr1:7,736,943, plus strand): 5'-TTTAACGGTGGTGAATAGTGTGGTAATTTCTGGTGCTCTCCCTTATAGTACAAAGCACGC[G>A]GATAGCATTGACCTGGAACTGGAAGTTGACCCCTTGAATGTGGACCACTTCTCCTGTACT-3'
Protein context (NP_056030.1, residues 1082-1102): QTLIKWRTKH[Ala1092=]DSIDLELEVD